The following is an entry in ClinVar:

NM_002294.3(LAMP2):c.823A>C (p.Asn275His)

Gene: LAMP2 (lysosome associated membrane protein 2; minus strand). Cytogenetic location: Xq24.
Variant type: single nucleotide variant.
Coding change: c.823A>C on transcript NM_002294.3 (MANE Select); coding-DNA position 823, A replaced by C.
Protein change: p.Asn275His; replaces asparagine 275 with histidine.
Molecular consequence: missense variant.
Genome position (GRCh38, 1-based): chrX:120,446,346, T>G on the plus strand (A>C on the coding strand, the complement: LAMP2 is on the minus strand). VCF-style: chrX-120446346-T-G. GRCh37 (hg19) VCF-style: chrX-119580201-T-G.
Other names: c.823A>C, p.Asn275His (NM_001122606.1, NM_013995.2); short protein forms N275H.
Identifiers: ClinVar variation 1023495 (VCV001023495.8), dbSNP rs143699208, ClinGen allele CA414400829.
Genomic context (GRCh38, chrX:120,446,346, plus strand): 5'-TAAAAAATCTGTTACTCACCACAGCAAAGACAAAGTCTAGATACTTAATGGTGCTGCTAT[T>G]GAGTCTAAGTAGAGCAGTGTGAGAACGGCAGCTGCCTGTGGAGTGAGTTGTATTGGGGTT-3'
Protein context (NP_002285.1, residues 265-285): CRSHTALLRL[Asn275His]SSTIKYLDFV

ClinVar aggregate classification (germline): Uncertain significance (1 of 4 stars; one submission).

Conditions:
Danon disease. Also called: ANTOPOL DISEASE; Glycogen Storage Disease Type IIb; PSEUDOGLYCOGENOSIS II; GSD IIb; LYSOSOMAL GLYCOGEN STORAGE DISEASE WITHOUT ACID MALTASE DEFICIENCY. Identifiers: Orphanet 34587, MedGen C0878677, MONDO:0010281, OMIM 300257.

Submission:

Labcorp Genetics (formerly Invitae), Labcorp
Classification: Uncertain significance for Danon disease. Last evaluated: 2025-10-29. Review status: criteria provided, single submitter. Criteria: Invitae Variant Classification Sherloc (09022015). Collection method: clinical testing. Allele origin: germline.
Comment: This sequence change replaces asparagine, which is neutral and polar, with histidine, which is basic and polar, at codon 275 of the LAMP2 protein (p.Asn275His). This variant is not present in population databases (gnomAD no frequency). This variant has not been reported in the literature in individuals affected with LAMP2-related conditions. ClinVar contains an entry for this variant (Variation ID: 1023495). Invitae Evidence Modeling of protein sequence and biophysical properties (such as structural, functional, and spatial information, amino acid conservation, physicochemical variation, residue mobility, and thermodynamic stability) indicates that this missense variant is expected to disrupt LAMP2 protein function with a positive predictive value of 80%. In summary, the available evidence is currently insufficient to determine the role of this variant in disease. Therefore, it has been classified as a Variant of Uncertain Significance.